The following is an entry in ClinVar:

ClinVar aggregate classification (germline): Likely benign (0 of 4 stars; one submission).

Conditions:
NRIP1-related disorder. Also called: NRIP1-related condition.

Allele frequency attached by ClinVar (database versions not stated): gnomAD 0.00001; gnomAD exomes 0.00001; ExAC 0.00002; TOPMed 0.00002.
gnomAD v4.1: 23 of 1,613,846 alleles (0.0014%); highest among the groups gnomAD compares: Middle Eastern, 0.016%; no homozygotes.

Submission:

PreventionGenetics, part of Exact Sciences
Classification: Likely benign for NRIP1-related condition. Last evaluated: 2019-07-08. Review status: no assertion criteria provided. Collection method: clinical testing. Allele origin: germline.
Comment: This variant is classified as likely benign based on ACMG/AMP sequence variant interpretation guidelines (Richards et al. 2015 PMID: 25741868, with internal and published modifications).

NM_003489.4(NRIP1):c.2454G>A (p.Leu818=)

Gene: NRIP1 (nuclear receptor interacting protein 1; minus strand). Cytogenetic location: 21q11.2.
Variant type: single nucleotide variant.
Coding change: c.2454G>A on transcript NM_003489.4 (MANE Select); coding-DNA position 2454, G replaced by A.
Protein change: p.Leu818=; no amino-acid change (leucine 818 retained).
Molecular consequence: synonymous variant.
Genome position (GRCh38, 1-based): chr21:14,965,739, C>T on the plus strand (G>A on the coding strand, the complement: NRIP1 is on the minus strand). VCF-style: chr21-14965739-C-T. GRCh37 (hg19) VCF-style: chr21-16338060-C-T.
Identifiers: ClinVar variation 3049521 (VCV003049521.2), dbSNP rs746094717, ClinGen allele CA9981138.